The following is an entry in ClinVar:

ClinVar aggregate classification (germline): Uncertain significance (1 of 4 stars; one submission).

Conditions:
Hereditary cancer-predisposing syndrome. Also called: Neoplastic Syndromes, Hereditary; Tumor predisposition; Hereditary Cancer Syndrome; Hereditary neoplastic syndrome. Identifiers: Orphanet 140162, MedGen C0027672, MeSH D009386, MONDO:0015356.

Submission:

Ambry Genetics
Classification: Uncertain significance for Hereditary cancer-predisposing syndrome. Last evaluated: 2025-03-21. Review status: criteria provided, single submitter. Criteria: Ambry Variant Classification Scheme 2023. Collection method: clinical testing. Allele origin: germline.
Comment: The p.R262G variant (also known as c.784A>G), located in coding exon 5 of the CHEK2 gene, results from an A to G substitution at nucleotide position 784. The arginine at codon 262 is replaced by glycine, an amino acid with dissimilar properties. This amino acid position is well conserved in available vertebrate species. In addition, the in silico prediction for this alteration is inconclusive. Based on the available evidence, the clinical significance of this variant remains unclear.

NM_007194.4(CHEK2):c.784A>G (p.Arg262Gly)

Gene: CHEK2 (checkpoint kinase 2; minus strand). Cytogenetic location: 22q12.1.
Variant type: single nucleotide variant.
Coding change: c.784A>G on transcript NM_007194.4 (MANE Select); coding-DNA position 784, A replaced by G.
Protein change: p.Arg262Gly; replaces arginine 262 with glycine.
Molecular consequence: missense variant.
Genome position (GRCh38, 1-based): chr22:28,711,917, T>C on the plus strand (A>G on the coding strand, the complement: CHEK2 is on the minus strand). VCF-style: chr22-28711917-T-C. GRCh37 (hg19) VCF-style: chr22-29107905-T-C.
Other names: c.913A>G, p.Arg305Gly (NM_001005735.3); c.121A>G, p.Arg41Gly (NM_001257387.3); c.583A>G, p.Arg195Gly (NM_001349956.3); c.784A>G, p.Arg262Gly (NM_145862.3); short protein forms R262G, R305G, R195G, R41G.
Identifiers: ClinVar variation 1760876 (VCV001760876.3), dbSNP rs2517959657, ClinGen allele CA411103063.
Genomic context (GRCh38, chr22:28,711,917, plus strand): 5'-AAGTTATGAAGACGTGTTAATAAAAGGTGATCAGCCTTTTATTGGTACTTACTGCCTCTC[T>C]TGCTGAACCAATAGCAAACTTCCTTTTGCTGATGATCTTTATGGCTACTTTCTTACATGT-3'
Protein context (NP_009125.1, residues 252-272): SKRKFAIGSA[Arg262Gly]EADPALNVET